The following is an entry in ClinVar:

ClinVar aggregate classification (germline): Likely benign. Review status: criteria provided, multiple submitters, no conflicts (2 of 4 stars). 6 submissions from 6 submitters: Likely benign (6). Last evaluated 2025-09-15.

Conditions:
LMNA-related disorder. Also called: LMNA-related condition; LMNA-related disease; LMNA-related disorders. Identifiers: MedGen CN380145.
Cardiovascular phenotype. Identifiers: MedGen CN230736.
Charcot-Marie-Tooth disease type 2. Also called: Charcot-Marie-Tooth type 2. Identifiers: Orphanet 64746, MedGen C0270914, MONDO:0018993.
Cardiomyopathy (CMYO). Also called: Cardiomyopathies. Identifiers: Orphanet 167848, MedGen C0878544, MONDO:0004994, HP:0001638. Inheritance: Various modes of inheritance.

Allele frequency attached by ClinVar (database versions not stated): TOPMed 0.00010; gnomAD 0.00012; ESP Exome Variant Server 0.00015; 1000 Genomes Project 0.00020; 1000 Genomes Project 30x 0.00031; gnomAD exomes 0.00001 and 0.00002; ExAC 0.00005.

Submissions (6):

Labcorp Genetics (formerly Invitae), Labcorp
Classification: Likely benign for Charcot-Marie-Tooth disease type 2. Last evaluated: 2025-09-15. Review status: criteria provided, single submitter. Criteria: Invitae Variant Classification Sherloc (09022015). Collection method: clinical testing. Allele origin: germline.

Women's Health and Genetics/Laboratory Corporation of America, LabCorp
Classification: Likely benign. Last evaluated: 2024-12-06. Review status: criteria provided, single submitter. Criteria: LabCorp Variant Classification Summary - May 2015. Collection method: clinical testing. Allele origin: germline.

PreventionGenetics, part of Exact Sciences
Classification: Likely benign for LMNA-related condition. Last evaluated: 2024-11-05. Review status: criteria provided, single submitter. Criteria: ACMG Guidelines, 2015. Collection method: clinical testing. Allele origin: germline.
Comment: This variant is classified as likely benign based on ACMG/AMP sequence variant interpretation guidelines (Richards et al. 2015 PMID: 25741868, with internal and published modifications).

Color Diagnostics, LLC DBA Color Health
Classification: Likely benign for Cardiomyopathy. Last evaluated: 2021-06-21. Review status: criteria provided, single submitter. Criteria: ACMG Guidelines, 2015. Collection method: clinical testing. Allele origin: germline.

GeneDx
Classification: Likely benign. Last evaluated: 2018-06-11. Review status: criteria provided, single submitter. Criteria: GeneDx Variant Classification (06012015). Collection method: clinical testing. Allele origin: germline. Affected: yes.
Comment: This variant is considered likely benign or benign based on one or more of the following criteria: it is a conservative change, it occurs at a poorly conserved position in the protein, it is predicted to be benign by multiple in silico algorithms, and/or has population frequency not consistent with disease.

Ambry Genetics
Classification: Likely benign for Cardiovascular phenotype. Last evaluated: 2017-02-20. Review status: criteria provided, single submitter. Criteria: Ambry Variant Classification Scheme 2023. Collection method: clinical testing. Allele origin: germline.

NM_170707.4(LMNA):c.990G>A (p.Glu330=)

Gene: LMNA (lamin A/C; plus strand). Cytogenetic location: 1q22.
Variant type: single nucleotide variant.
Coding change: c.990G>A on transcript NM_170707.4 (MANE Select); coding-DNA position 990, G replaced by A.
Protein change: p.Glu330=; no amino-acid change (glutamic acid 330 retained).
Molecular consequence: synonymous variant.
Genome position (GRCh38, 1-based): chr1:156,135,954, G>A. VCF-style: chr1-156135954-G-A. GRCh37 (hg19) VCF-style: chr1-156105745-G-A.
Other names: c.654G>A, p.Glu218= (NM_001257374.3); c.747G>A, p.Glu249= (NM_001282624.2); c.990G>A, p.Glu330= (NM_001282625.2, NM_001282626.2, NM_005572.4 and 1 more transcripts).
Identifiers: ClinVar variation 476838 (VCV000476838.21), dbSNP rs140800215, ClinGen allele CA055002.